The following is an entry in ClinVar:

NM_000552.5(VWF):c.4541T>G (p.Phe1514Cys)

Gene: VWF (von Willebrand factor; minus strand). Cytogenetic location: 12p13.31.
Variant type: single nucleotide variant.
Coding change: c.4541T>G on transcript NM_000552.5 (MANE Select); coding-DNA position 4541, T replaced by G.
Protein change: p.Phe1514Cys; replaces phenylalanine 1514 with cysteine.
Molecular consequence: missense variant.
Genome position (GRCh38, 1-based): chr12:6,018,877, A>C on the plus strand (T>G on the coding strand, the complement: VWF is on the minus strand). VCF-style: chr12-6018877-A-C. GRCh37 (hg19) VCF-style: chr12-6128043-A-C.
Other names: NM_000552.5(VWF):c.4541T>G; short protein forms F1514C.
Identifiers: ClinVar variation 304 (VCV000000304.2), dbSNP rs61750101, ClinGen allele CA114154.

ClinVar aggregate classification (germline): Likely pathogenic. Review status: reviewed by expert panel (3 of 4 stars). 3 submissions from 3 submitters: Likely pathogenic (1). 2 of the submissions do not count toward it. Last evaluated 2025-12-02.

Conditions:
Von Willebrand disease type 2A. Identifiers: Orphanet 166084, MedGen C1282968, MONDO:0015628. Inheritance: Autosomal recessive or autosomal dominant.

Submissions (3):

ClinGen von Willebrand Disease Variant Curation Expert Panel, ClinGen
Classification: Likely pathogenic for Von Willebrand disease type 2A. Last evaluated: 2025-12-02. Review status: reviewed by expert panel. Criteria: ClinGen VWD 2A B M Rules. Collection method: curation. Allele origin: germline. Inheritance: Autosomal dominant inheritance.
Comment: The NM_000552.5:c.4541T>G p.(Phe1514Cys) variant in VWF is a missense variant predicted to cause substitution of phenylalanine by cysteine at amino acid 1514. This variant is absent from gnomAD v4.1.0 (PM2_Supporting). The computational predictor REVEL gives a score of 0.93, which is above the ClinGen VWD VCEP threshold of >0.644 and predicts a damaging effect on VWF function (PP3). At least 1 proband with this variant displayed excessive mucocutaneous bleeding as well as laboratory phenotypes of very low VWF activity (measured by VWF:RCo), low activity/VWF:Ag ratio and loss of high molecular weight multimers, which together are highly specific for VWD type 2A. (PP4_moderate, PMID 8435341). The variant has been reported to segregate with VWD type 2A through >2 affected meioses from 1 family (PP1; PMID: 8435341). This variant has been reported in at least 1 additional proband with reduced VWF:Ag to activity ratio (PS4_supporting; PMID: 40393667). In summary, this variant meets the criteria to be classified as likely pathogenic for autosomal dominant von Willebrand disease Type 2A based on the ACMG/AMP criteria applied, as specified by the ClinGen VWD VCEP (v1): PP1, PP3, PP4_Moderate, PM2_Supporting, PS4_Supporting.

OMIM
Classification: Pathogenic for VON WILLEBRAND DISEASE, TYPE 2A. Last evaluated: 2010-05-01. Review status: no assertion criteria provided. Collection method: literature only. Allele origin: germline. Not counted in ClinVar's aggregate classification.

Academic Unit of Haematology, University of Sheffield
No classification provided. Review status: no classification provided. Collection method: not provided. Allele origin: not provided. Not counted in ClinVar's aggregate classification.

Literature cited by the submitters: PubMed 20409624 (cited by OMIM); PubMed 8435341 (cited by OMIM).